The following is an entry in ClinVar:

NM_000093.5(COL5A1):c.5112C>T (p.Phe1704=)

Genes: COL5A1 (collagen type V alpha 1 chain; plus strand), LOC101448202 (uncharacterized LOC101448202; minus strand). Cytogenetic location: 9q34.3.
Variant type: single nucleotide variant.
Coding change: c.5112C>T on transcript NM_000093.5 (MANE Select); coding-DNA position 5112, C replaced by T.
Protein change: p.Phe1704=; no amino-acid change (phenylalanine 1704 retained).
Molecular consequence: synonymous variant. On other transcripts: intron variant (1).
Genome position (GRCh38, 1-based): chr9:134,830,020, C>T. VCF-style: chr9-134830020-C-T. GRCh37 (hg19) VCF-style: chr9-137721866-C-T.
Other names: c.5068-88C>T (NM_001278074.1).
Identifiers: ClinVar variation 2861639 (VCV002861639.3), dbSNP rs1297044673, ClinGen allele CA467666519.

ClinVar aggregate classification (germline): Uncertain significance (1 of 4 stars; one submission).

Conditions:
Ehlers-Danlos syndrome, classic type, 1 (EDSCL1). Also called: EHLERS-DANLOS SYNDROME, GRAVIS TYPE; EHLERS-DANLOS SYNDROME, SEVERE CLASSIC TYPE; Ehlers-Danlos syndrome, type 1; Ehlers-Danlos Syndrome, Classic Type, COL5A1-Related; EDS I. Identifiers: MedGen C0268335, MONDO:0019567, OMIM 130000.

Allele frequency attached by ClinVar (database versions not stated): gnomAD exomes below 0.00001.
gnomAD v4.1: 4 of 1,614,052 alleles (0.00025%); highest among the groups gnomAD compares: South Asian, 0.0011%; no homozygotes.

Submission:

Labcorp Genetics (formerly Invitae), Labcorp
Classification: Uncertain significance for Ehlers-Danlos syndrome, classic type, 1. Last evaluated: 2024-01-17. Review status: criteria provided, single submitter. Criteria: Invitae Variant Classification Sherloc (09022015). Collection method: clinical testing. Allele origin: germline.
Comment: This sequence change affects codon 1704 of the COL5A1 mRNA. It is a 'silent' change, meaning that it does not change the encoded amino acid sequence of the COL5A1 protein. This variant is not present in population databases (gnomAD no frequency). This variant has not been reported in the literature in individuals affected with COL5A1-related conditions. Algorithms developed to predict the effect of sequence changes on RNA splicing suggest that this variant may disrupt the consensus splice site. In summary, the available evidence is currently insufficient to determine the role of this variant in disease. Therefore, it has been classified as a Variant of Uncertain Significance.